The following is an entry in ClinVar:

ClinVar aggregate classification (germline): Uncertain significance. Review status: criteria provided, multiple submitters, no conflicts (2 of 4 stars). 2 submissions from 2 submitters: Uncertain significance (2). Last evaluated 2025-09-22.

Conditions:
Frontotemporal dementia and/or amyotrophic lateral sclerosis 2. Also called: FTDALS2. Identifiers: Orphanet 275872, MedGen C4014648, MONDO:0014395, OMIM 615911.
Autosomal dominant mitochondrial myopathy with exercise intolerance (IMMD). Also called: Myopathy, isolated mitochondrial, autosomal dominant. Identifiers: Orphanet 457050, MedGen C4015513, MONDO:0014532, OMIM 616209.
Lower motor neuron syndrome with late-adult onset (SMAJ). Also called: Spinal muscular atrophy, Jokela type; Late-Onset Spinal Motor Neuronopathy (SMAJ). Identifiers: Orphanet 276435, MedGen C3554398, MONDO:0014025, OMIM 615048.

Allele frequency attached by ClinVar (database versions not stated): gnomAD exomes 0.00004; gnomAD 0.00001; ExAC 0.00005; TOPMed 0.00001.
gnomAD v4.1: 28 of 1,518,090 alleles (0.0018%); highest among the groups gnomAD compares: Admixed American, 0.0064%; no homozygotes.

Submissions (2):

Labcorp Genetics (formerly Invitae), Labcorp
Classification: Uncertain significance for Lower motor neuron syndrome with late-adult onset; Frontotemporal dementia and/or amyotrophic lateral sclerosis 2; Autosomal dominant mitochondrial myopathy with exercise intolerance. Last evaluated: 2025-09-22. Review status: criteria provided, single submitter. Criteria: Invitae Variant Classification Sherloc (09022015). Collection method: clinical testing. Allele origin: germline.
Comment: This sequence change replaces arginine, which is basic and polar, with glycine, which is neutral and non-polar, at codon 6 of the CHCHD10 protein (p.Arg6Gly). This variant is present in population databases (rs751472303, gnomAD 0.008%). This missense change has been observed in individual(s) with amyotrophic lateral sclerosis (PMID: 30014597). ClinVar contains an entry for this variant (Variation ID: 857529). Experimental studies and prediction algorithms are not available or were not evaluated, and the functional significance of this variant is currently unknown. In summary, the available evidence is currently insufficient to determine the role of this variant in disease. Therefore, it has been classified as a Variant of Uncertain Significance.

Mayo Clinic Laboratories, Mayo Clinic
Classification: Uncertain significance. Last evaluated: 2024-05-09. Review status: criteria provided, single submitter. Criteria: ACMG Guidelines, 2015. Collection method: clinical testing. Allele origin: germline. Observed: 2 variant alleles.
Comment: BS2

Literature cited by the submitters: PubMed 30014597 (cited by Labcorp Genetics (formerly Invitae), Labcorp and Mayo Clinic Laboratories, Mayo Clinic); PubMed 29789341 (cited by Mayo Clinic Laboratories, Mayo Clinic).

NM_213720.3(CHCHD10):c.16C>G (p.Arg6Gly)

Gene: CHCHD10 (coiled-coil-helix-coiled-coil-helix domain containing 10; minus strand). Cytogenetic location: 22q11.23.
Variant type: single nucleotide variant.
Coding change: c.16C>G on transcript NM_213720.3 (MANE Select); coding-DNA position 16, C replaced by G.
Protein change: p.Arg6Gly; replaces arginine 6 with glycine.
Molecular consequence: missense variant. On other transcripts: non-coding transcript variant (2).
Genome position (GRCh38, 1-based): chr22:23,767,859, G>C on the plus strand (C>G on the coding strand, the complement: CHCHD10 is on the minus strand). VCF-style: chr22-23767859-G-C. GRCh37 (hg19) VCF-style: chr22-24110046-G-C.
Other names: p.Arg6Gly; c.16C>G, p.Arg6Gly (NM_001301339.2); short protein forms R6G.
Identifiers: ClinVar variation 857529 (VCV000857529.8), dbSNP rs751472303, ClinGen allele CA10145333.